The following is an entry in ClinVar:

ClinVar aggregate classification (germline): Uncertain significance (1 of 4 stars; one submission).

Submission:

CeGaT Center for Human Genetics Tuebingen
Classification: Uncertain significance. Last evaluated: 2025-06-01. Review status: criteria provided, single submitter. Criteria: CeGaT Center For Human Genetics Tuebingen Variant Classification Criteria Version 2. Collection method: clinical testing. Allele origin: germline. Affected: yes. Observed: 1 variant allele.
Comment: COL12A1: PM2

NM_004370.6(COL12A1):c.7717C>T (p.Leu2573Phe)

Gene: COL12A1 (collagen type XII alpha 1 chain; minus strand). Cytogenetic location: 6q13.
Variant type: single nucleotide variant.
Coding change: c.7717C>T on transcript NM_004370.6 (MANE Select); coding-DNA position 7717, C replaced by T.
Protein change: p.Leu2573Phe; replaces leucine 2573 with phenylalanine.
Molecular consequence: missense variant.
Genome position (GRCh38, 1-based): chr6:75,113,725, G>A on the plus strand (C>T on the coding strand, the complement: COL12A1 is on the minus strand). VCF-style: chr6-75113725-G-A. GRCh37 (hg19) VCF-style: chr6-75823441-G-A.
Other names: c.7717C>T, p.Leu2573Phe (NM_001424113.1); c.7696C>T, p.Leu2566Phe (NM_001424114.1); c.7444C>T, p.Leu2482Phe (NM_001424115.1); c.4225C>T, p.Leu1409Phe (NM_001424116.1, NM_080645.3); short protein forms L1409F, L2482F, L2566F, L2573F.
Identifiers: ClinVar variation 3905607 (VCV003905607.10).